The following is an entry in ClinVar:

NM_005732.4(RAD50):c.1715A>C (p.Asn572Thr)

Gene: RAD50 (RAD50 double strand break repair protein; plus strand). Cytogenetic location: 5q31.1.
Variant type: single nucleotide variant.
Coding change: c.1715A>C on transcript NM_005732.4 (MANE Select); coding-DNA position 1715, A replaced by C.
Protein change: p.Asn572Thr; replaces asparagine 572 with threonine.
Molecular consequence: missense variant.
Genome position (GRCh38, 1-based): chr5:132,591,956, A>C. VCF-style: chr5-132591956-A-C. GRCh37 (hg19) VCF-style: chr5-131927648-A-C.
Other names: short protein forms N572T.
Identifiers: ClinVar variation 2064692 (VCV002064692.4), dbSNP rs146063619, ClinGen allele CA360946491.

ClinVar aggregate classification (germline): Uncertain significance (1 of 4 stars; one submission).

Conditions:
Hereditary cancer-predisposing syndrome. Also called: Tumor predisposition; Hereditary neoplastic syndrome; Neoplastic Syndromes, Hereditary; Hereditary Cancer Syndrome. Identifiers: Orphanet 140162, MedGen C0027672, MeSH D009386, MONDO:0015356.

Submission:

Labcorp Genetics (formerly Invitae), Labcorp
Classification: Uncertain significance for Hereditary cancer-predisposing syndrome. Last evaluated: 2021-12-29. Review status: criteria provided, single submitter. Criteria: Invitae Variant Classification Sherloc (09022015). Collection method: clinical testing. Allele origin: germline.
Comment: In summary, the available evidence is currently insufficient to determine the role of this variant in disease. Therefore, it has been classified as a Variant of Uncertain Significance. Algorithms developed to predict the effect of missense changes on protein structure and function (SIFT, PolyPhen-2, Align-GVGD) all suggest that this variant is likely to be tolerated. This variant has not been reported in the literature in individuals affected with RAD50-related conditions. This variant is not present in population databases (gnomAD no frequency). This sequence change replaces asparagine, which is neutral and polar, with threonine, which is neutral and polar, at codon 572 of the RAD50 protein (p.Asn572Thr).